The following is an entry in ClinVar:

ClinVar aggregate classification (germline): Likely benign (1 of 4 stars; one submission).

Conditions:
HOXD13-related disorder. Also called: HOXD13-related disorders; HOXD13-related condition.

Submission:

PreventionGenetics, part of Exact Sciences
Classification: Likely benign for HOXD13-related condition. Last evaluated: 2025-01-01. Review status: criteria provided, single submitter. Criteria: ACMG Guidelines, 2015. Collection method: clinical testing. Allele origin: germline.
Comment: This variant is classified as likely benign based on ACMG/AMP sequence variant interpretation guidelines (Richards et al. 2015 PMID: 25741868, with internal and published modifications).

NM_000523.4(HOXD13):c.843G>A (p.Val281=)

Gene: HOXD13 (homeobox D13; plus strand). Cytogenetic location: 2q31.1.
Variant type: single nucleotide variant.
Coding change: c.843G>A on transcript NM_000523.4 (MANE Select); coding-DNA position 843, G replaced by A.
Protein change: p.Val281=; no amino-acid change (valine 281 retained).
Molecular consequence: synonymous variant.
Genome position (GRCh38, 1-based): chr2:176,094,541, G>A. VCF-style: chr2-176094541-G-A. GRCh37 (hg19) VCF-style: chr2-176959269-G-A.
Identifiers: ClinVar variation 4981694 (VCV004981694.1).